The following is an entry in ClinVar:

NM_005612.5(REST):c.2414T>G (p.Leu805Arg)

Gene: REST (RE1 silencing transcription factor; plus strand). Cytogenetic location: 4q12.
Variant type: single nucleotide variant.
Coding change: c.2414T>G on transcript NM_005612.5 (MANE Select); coding-DNA position 2414, T replaced by G.
Protein change: p.Leu805Arg; replaces leucine 805 with arginine.
Molecular consequence: missense variant.
Genome position (GRCh38, 1-based): chr4:56,931,272, T>G. VCF-style: chr4-56931272-T-G. GRCh37 (hg19) VCF-style: chr4-57797438-T-G.
Other names: c.2414T>G, p.Leu805Arg (NM_001193508.2, NM_001363453.3); short protein forms L805R.
Identifiers: ClinVar variation 3715501 (VCV003715501.2).
Genomic context (GRCh38, chr4:56,931,272, plus strand): 5'-TGGGGGTGGTTCAGAAGGAGCCTGCTCAGAGGGAGCCACCTCCTCCCAGAGAGCCTCCCC[T>G]TCACATGGAGCCAATTTCCAAAAAGCCTCCTCTCCGAAAAGATAAAAAGGAAAAGTCTAA-3'
Protein context (NP_005603.3, residues 795-815): REPPPPREPP[Leu805Arg]HMEPISKKPP

ClinVar aggregate classification (germline): Uncertain significance (1 of 4 stars; one submission).

Submission:

Labcorp Genetics (formerly Invitae), Labcorp
Classification: Uncertain significance. Last evaluated: 2025-01-02. Review status: criteria provided, single submitter. Criteria: Invitae Variant Classification Sherloc (09022015). Collection method: clinical testing. Allele origin: germline.
Comment: This sequence change replaces leucine, which is neutral and non-polar, with arginine, which is basic and polar, at codon 805 of the REST protein (p.Leu805Arg). This variant is present in population databases (no rsID available, gnomAD 0.003%). This variant has not been reported in the literature in individuals affected with REST-related conditions. An algorithm developed to predict the effect of missense changes on protein structure and function (PolyPhen-2) suggests that this variant is likely to be tolerated. In summary, the available evidence is currently insufficient to determine the role of this variant in disease. Therefore, it has been classified as a Variant of Uncertain Significance.